The following is an entry in ClinVar:

NM_001330078.2(NRXN1):c.713A>G (p.Asp238Gly)

Gene: NRXN1 (neurexin 1; minus strand). Cytogenetic location: 2p16.3.
Variant type: single nucleotide variant.
Coding change: c.713A>G on transcript NM_001330078.2 (MANE Select); coding-DNA position 713, A replaced by G.
Protein change: p.Asp238Gly; replaces aspartic acid 238 with glycine.
Molecular consequence: missense variant.
Genome position (GRCh38, 1-based): chr2:51,027,561, T>C on the plus strand (A>G on the coding strand, the complement: NRXN1 is on the minus strand). VCF-style: chr2-51027561-T-C. GRCh37 (hg19) VCF-style: chr2-51254699-T-C.
Other names: c.713A>G, p.Asp238Gly (NM_001135659.3, NM_001330077.2, NM_001330079.2 and 15 more transcripts); short protein forms D238G.
Identifiers: ClinVar variation 1318495 (VCV001318495.2), dbSNP rs1482407476, ClinGen allele CA346823440.

ClinVar aggregate classification (germline): Uncertain significance (1 of 4 stars; one submission).

gnomAD v4.1: 1 of 1,597,122 alleles (0.000063%); highest among the groups gnomAD compares: Non-Finnish European, 0.000086%; no homozygotes.

Submission:

GeneDx
Classification: Uncertain significance. Last evaluated: 2019-05-06. Review status: criteria provided, single submitter. Criteria: GeneDx Variant Classification Process June 2021. Collection method: clinical testing. Allele origin: germline. Affected: yes.
Comment: Not observed in large population cohorts (Lek et al., 2016); In silico analysis, which includes protein predictors and evolutionary conservation, supports that this variant does not alter protein structure/function; Has not been previously published as pathogenic or benign to our knowledge